The following is an entry in ClinVar:

NM_001458.5(FLNC):c.1663G>A (p.Ala555Thr)

Gene: FLNC (filamin C; plus strand). Cytogenetic location: 7q32.1.
Variant type: single nucleotide variant.
Coding change: c.1663G>A on transcript NM_001458.5 (MANE Select); coding-DNA position 1663, G replaced by A.
Protein change: p.Ala555Thr; replaces alanine 555 with threonine.
Molecular consequence: missense variant.
Genome position (GRCh38, 1-based): chr7:128,840,661, G>A. VCF-style: chr7-128840661-G-A. GRCh37 (hg19) VCF-style: chr7-128480715-G-A.
Other names: c.1663G>A, p.Ala555Thr (NM_001127487.2); short protein forms A555T.
Identifiers: ClinVar variation 1417766 (VCV001417766.10), dbSNP rs1163059574, ClinGen allele CA369226800.
Genomic context (GRCh38, chr7:128,840,661, plus strand): 5'-TGCGAGTACTACCCGGTGGTGCCTGGGAAGTATGTGGTGACCATCACGTGGGGCGGCTAC[G>A]CCATCCCTCGCAGGTGAGTACCTTGCGCCCCCCATGCTGTCCTGTCTAGGCCATCACAGG-3'
Protein context (NP_001449.3, residues 545-565): YVVTITWGGY[Ala555Thr]IPRSPFEVQV

ClinVar aggregate classification (germline): Uncertain significance. Review status: criteria provided, multiple submitters, no conflicts (2 of 4 stars). 2 submissions from 2 submitters: Uncertain significance (2). Last evaluated 2025-11-18.

Conditions:
Cardiovascular phenotype. Identifiers: MedGen CN230736.
Hypertrophic cardiomyopathy 26. Also called: Cardiomyopathy, familial hypertrophic, 26. Identifiers: Orphanet 75249, MedGen C4310749, MONDO:0014883, OMIM 617047.
Myofibrillar myopathy 5. Also called: Filaminopathy (type); FILAMINOPATHY, AUTOSOMAL DOMINANT. Identifiers: Orphanet 171445, MedGen C1836050, MONDO:0012289, OMIM 609524.
Distal myopathy with posterior leg and anterior hand involvement. Also called: WILLIAMS DISTAL MYOPATHY. Identifiers: Orphanet 63273, MedGen C3279722, MONDO:0013550, OMIM 614065.

Allele frequency attached by ClinVar (database versions not stated): gnomAD 0.00001; gnomAD exomes 0.00001; TOPMed 0.00001.
gnomAD v4.1: 11 of 1,614,098 alleles (0.00068%); highest among the groups gnomAD compares: East Asian, 0.0022%; no homozygotes.

Submissions (2):

Labcorp Genetics (formerly Invitae), Labcorp
Classification: Uncertain significance for Distal myopathy with posterior leg and anterior hand involvement; Myofibrillar myopathy 5; Hypertrophic cardiomyopathy 26. Last evaluated: 2025-11-18. Review status: criteria provided, single submitter. Criteria: Invitae Variant Classification Sherloc (09022015). Collection method: clinical testing. Allele origin: germline.
Comment: This sequence change replaces alanine, which is neutral and non-polar, with threonine, which is neutral and polar, at codon 555 of the FLNC protein (p.Ala555Thr). This variant is present in population databases (no rsID available, gnomAD 0.002%). This variant has not been reported in the literature in individuals affected with FLNC-related conditions. ClinVar contains an entry for this variant (Variation ID: 1417766). Invitae Evidence Modeling of protein sequence and biophysical properties (such as structural, functional, and spatial information, amino acid conservation, physicochemical variation, residue mobility, and thermodynamic stability) has been performed for this missense variant. However, the output from this modeling did not meet the statistical confidence thresholds required to predict the impact of this variant on FLNC protein function. In summary, the available evidence is currently insufficient to determine the role of this variant in disease. Therefore, it has been classified as a Variant of Uncertain Significance.

Ambry Genetics
Classification: Uncertain significance for Cardiovascular phenotype. Last evaluated: 2024-03-25. Review status: criteria provided, single submitter. Criteria: Ambry Variant Classification Scheme 2023. Collection method: clinical testing. Allele origin: germline.